The following is an entry in ClinVar:

NM_025137.4(SPG11):c.3687-8T>A

Gene: SPG11 (SPG11 vesicle trafficking associated, spatacsin; minus strand). Cytogenetic location: 15q21.1.
Variant type: single nucleotide variant.
Coding change: c.3687-8T>A on transcript NM_025137.4 (MANE Select); 8 bases into the intron before coding-DNA position 3687, T replaced by A.
Molecular consequence: intron variant.
Genome position (GRCh38, 1-based): chr15:44,598,844, A>T on the plus strand (T>A on the coding strand, the complement: SPG11 is on the minus strand). VCF-style: chr15-44598844-A-T. GRCh37 (hg19) VCF-style: chr15-44891042-A-T.
Other names: c.3687-8T>A (NM_001411132.1, NM_001160227.2).
Identifiers: ClinVar variation 5037031 (VCV005037031.1).

ClinVar aggregate classification (germline): Uncertain significance (1 of 4 stars; one submission).

Submission:

GeneDx
Classification: Uncertain significance. Last evaluated: 2026-04-14. Review status: criteria provided, single submitter. Criteria: GeneDx Variant Classification Process June 2021. Collection method: clinical testing. Allele origin: germline.
Comment: Not observed at significant frequency in large population cohorts (gnomAD); Has not been previously published as pathogenic or benign to our knowledge; In silico analysis is inconclusive as to whether the variant alters gene splicing. In the absence of RNA/functional studies, the actual effect of this sequence change is unknown.